The following is an entry in ClinVar:

NM_002047.4(GARS1):c.1568A>T (p.Asp523Val)

Gene: GARS1 (glycyl-tRNA synthetase 1; plus strand). Cytogenetic location: 7p14.3.
Variant type: single nucleotide variant.
Coding change: c.1568A>T on transcript NM_002047.4 (MANE Select); coding-DNA position 1568, A replaced by T.
Protein change: p.Asp523Val; replaces aspartic acid 523 with valine.
Molecular consequence: missense variant.
Genome position (GRCh38, 1-based): chr7:30,622,417, A>T. VCF-style: chr7-30622417-A-T. GRCh37 (hg19) VCF-style: chr7-30662033-A-T.
Other names: c.1568A>T (LRG_243t1); c.1406A>T, p.Asp469Val (NM_001316772.1); short protein forms D523V, D469V.
Identifiers: ClinVar variation 188352 (VCV000188352.8), dbSNP rs779225125, ClinGen allele CA334697.

ClinVar aggregate classification (germline): Uncertain significance (1 of 4 stars; one submission).

Conditions:
Charcot-Marie-Tooth disease type 2. Also called: Charcot-Marie-Tooth type 2. Identifiers: Orphanet 64746, MedGen C0270914, MONDO:0018993.

Submission:

Labcorp Genetics (formerly Invitae), Labcorp
Classification: Uncertain significance for Charcot-Marie-Tooth disease type 2. Last evaluated: 2022-11-10. Review status: criteria provided, single submitter. Criteria: Invitae Variant Classification Sherloc (09022015). Collection method: clinical testing. Allele origin: germline.
Comment: In summary, the available evidence is currently insufficient to determine the role of this variant in disease. Therefore, it has been classified as a Variant of Uncertain Significance. Advanced modeling of protein sequence and biophysical properties (such as structural, functional, and spatial information, amino acid conservation, physicochemical variation, residue mobility, and thermodynamic stability) performed at Invitae indicates that this missense variant is not expected to disrupt GARS protein function. ClinVar contains an entry for this variant (Variation ID: 188352). This variant has not been reported in the literature in individuals affected with GARS-related conditions. This variant is present in population databases (rs779225125, gnomAD 0.0009%). This sequence change replaces aspartic acid, which is acidic and polar, with valine, which is neutral and non-polar, at codon 523 of the GARS protein (p.Asp523Val).